The following is an entry in ClinVar:

ClinVar aggregate classification (germline): Uncertain significance (1 of 4 stars; one submission).

Conditions:
FG syndrome (FGS). Identifiers: MedGen C0220769, MONDO:0002010.

Submission:

Labcorp Genetics (formerly Invitae), Labcorp
Classification: Uncertain significance for FG syndrome. Last evaluated: 2024-02-05. Review status: criteria provided, single submitter. Criteria: Invitae Variant Classification Sherloc (09022015). Collection method: clinical testing. Allele origin: germline.
Comment: This sequence change replaces phenylalanine, which is neutral and non-polar, with valine, which is neutral and non-polar, at codon 823 of the MED12 protein (p.Phe823Val). This variant is not present in population databases (gnomAD no frequency). This variant has not been reported in the literature in individuals affected with MED12-related conditions. Advanced modeling of protein sequence and biophysical properties (such as structural, functional, and spatial information, amino acid conservation, physicochemical variation, residue mobility, and thermodynamic stability) has been performed at Invitae for this missense variant, however the output from this modeling did not meet the statistical confidence thresholds required to predict the impact of this variant on MED12 protein function. In summary, the available evidence is currently insufficient to determine the role of this variant in disease. Therefore, it has been classified as a Variant of Uncertain Significance.

NM_005120.3(MED12):c.2467T>G (p.Phe823Val)

Gene: MED12 (mediator complex subunit 12; plus strand). Cytogenetic location: Xq13.1.
Variant type: single nucleotide variant.
Coding change: c.2467T>G on transcript NM_005120.3 (MANE Select); coding-DNA position 2467, T replaced by G.
Protein change: p.Phe823Val; replaces phenylalanine 823 with valine.
Molecular consequence: missense variant.
Genome position (GRCh38, 1-based): chrX:71,126,080, T>G. VCF-style: chrX-71126080-T-G. GRCh37 (hg19) VCF-style: chrX-70345930-T-G.
Other names: short protein forms F823V.
Identifiers: ClinVar variation 2840798 (VCV002840798.3), dbSNP rs2519682063, ClinGen allele CA413515394.
Genomic context (GRCh38, chrX:71,126,080, plus strand): 5'-TCAACTGTCCCCTCAGGTGGGGAGGATGGGCAGAAGCGGCGACGCAACCGGCCTGAAGCC[T>G]TCCCCACTGCTGAAGATATCTTTGCTAAGTTCCAGCACCTTTCACATTATGACCAACACC-3'
Protein context (NP_005111.2, residues 813-833): QKRRRNRPEA[Phe823Val]PTAEDIFAKF